The following is an entry in ClinVar:

NM_006767.4(LZTR1):c.2330T>C (p.Leu777Pro)

Gene: LZTR1 (leucine zipper like post translational regulator 1; plus strand). Cytogenetic location: 22q11.21.
Variant type: single nucleotide variant.
Coding change: c.2330T>C on transcript NM_006767.4 (MANE Select); coding-DNA position 2330, T replaced by C.
Protein change: p.Leu777Pro; replaces leucine 777 with proline.
Molecular consequence: missense variant.
Genome position (GRCh38, 1-based): chr22:20,996,890, T>C. VCF-style: chr22-20996890-T-C. GRCh37 (hg19) VCF-style: chr22-21351179-T-C.
Other names: short protein forms L777P.
Identifiers: ClinVar variation 1522994 (VCV001522994.12), dbSNP rs1274127264, ClinGen allele CA410780972.

ClinVar aggregate classification (germline): Uncertain significance. Review status: criteria provided, multiple submitters, no conflicts (2 of 4 stars). 3 submissions from 3 submitters: Uncertain significance (3). Last evaluated 2025-11-17.

Conditions:
LZTR1-related schwannomatosis. Also called: Schwannomatosis-2, susceptibility to; Schwannomatosis 2. Identifiers: Orphanet 93921, MedGen C3810283, MONDO:0014299, OMIM 615670.
Hereditary cancer-predisposing syndrome. Also called: Hereditary neoplastic syndrome; Hereditary Cancer Syndrome; Tumor predisposition; Neoplastic Syndromes, Hereditary. Identifiers: Orphanet 140162, MedGen C0027672, MeSH D009386, MONDO:0015356.
Cardiovascular phenotype. Identifiers: MedGen CN230736.

Allele frequency attached by ClinVar (database versions not stated): gnomAD exomes below 0.00001; TOPMed below 0.00001.
gnomAD v4.1: 5 of 1,612,152 alleles (0.00031%); highest among the groups gnomAD compares: Admixed American, 0.0017%; no homozygotes.

Submissions (3):

Labcorp Genetics (formerly Invitae), Labcorp
Classification: Uncertain significance. Last evaluated: 2025-11-17. Review status: criteria provided, single submitter. Criteria: Invitae Variant Classification Sherloc (09022015). Collection method: clinical testing. Allele origin: germline.
Comment: This sequence change replaces leucine, which is neutral and non-polar, with proline, which is neutral and non-polar, at codon 777 of the LZTR1 protein (p.Leu777Pro). This variant is not present in population databases (gnomAD no frequency). This missense change has been observed in individual(s) with hypertrophic cardiomyopathy (PMID: 39472908). ClinVar contains an entry for this variant (Variation ID: 1522994). Invitae Evidence Modeling of protein sequence and biophysical properties (such as structural, functional, and spatial information, amino acid conservation, physicochemical variation, residue mobility, and thermodynamic stability) indicates that this missense variant is not expected to disrupt LZTR1 protein function with a negative predictive value of 80%. In summary, the available evidence is currently insufficient to determine the role of this variant in disease. Therefore, it has been classified as a Variant of Uncertain Significance.

Ambry Genetics
Classification: Uncertain significance for Cardiovascular phenotype; Hereditary cancer-predisposing syndrome. Last evaluated: 2024-08-11. Review status: criteria provided, single submitter. Criteria: Ambry Variant Classification Scheme 2023. Collection method: clinical testing. Allele origin: germline.
Comment: The p.L777P variant (also known as c.2330T>C), located in coding exon 20 of the LZTR1 gene, results from a T to C substitution at nucleotide position 2330. The leucine at codon 777 is replaced by proline, an amino acid with similar properties. This amino acid position is highly conserved in available vertebrate species. In addition, this alteration is predicted to be deleterious by in silico analysis. Since supporting evidence is limited at this time, the clinical significance of this alteration remains unclear.

Baylor Genetics
Classification: Uncertain significance for LZTR1-related schwannomatosis. Last evaluated: 2023-11-22. Review status: criteria provided, single submitter. Criteria: ACMG Guidelines, 2015. Collection method: clinical testing. Allele origin: unknown.

Literature cited by the submitters: PubMed 39472908 (cited by Labcorp Genetics (formerly Invitae), Labcorp).